The following is an entry in ClinVar:

NM_014875.3(KIF14):c.1625dup (p.Tyr542Ter)

Gene: KIF14 (kinesin family member 14; minus strand). Cytogenetic location: 1q32.1.
Variant type: Duplication.
Coding change: c.1625dup on transcript NM_014875.3 (MANE Select); coding-DNA position 1625, one base duplicated (A; older notation c.1625dupA).
Protein change: p.Tyr542Ter; replaces tyrosine 542 with a stop codon.
Molecular consequence: nonsense.
Genome position (GRCh38, 1-based): chr1:200,605,877, T duplicated on the plus strand (A on the coding strand, the reverse complement: KIF14 is on the minus strand). VCF-style (leftmost placement, unchanged base first): chr1-200605876-G-GT. GRCh37 (hg19) VCF-style: chr1-200575004-G-GT.
Other names: c.152dup, p.Tyr51Ter (NM_001305792.1); short protein forms Y51*, Y542*.
Identifiers: ClinVar variation 5019092 (VCV005019092.2).

ClinVar aggregate classification (germline): Likely pathogenic (1 of 4 stars; one submission).

Conditions:
Microcephaly 20, primary, autosomal recessive. Identifiers: MedGen C4693572, MONDO:0054761, OMIM 617914.
Lethal fetal cerebrorenogenitourinary agenesis/hypoplasia syndrome. Also called: Meckel syndrome 12. Identifiers: Orphanet 439897, MedGen C4015701, MONDO:0014552, OMIM 616258.

Submission:

Juno Genomics, Hangzhou Juno Genomics, Inc
Classification: Likely pathogenic for Lethal fetal cerebrorenogenitourinary agenesis/hypoplasia syndrome; Microcephaly 20, primary, autosomal recessive. Review status: criteria provided, single submitter. Criteria: ACMG Guidelines, 2015. Collection method: clinical testing. Allele origin: germline.
Comment: Absent from controls (or at extremely low frequency if recessive) in Genome Aggregation Database.;Null variant in a gene where loss of function (LOF) is a known mechanism of disease.